The following is an entry in ClinVar:

GRCh37/hg19 4q28.3-31.21(chr4:134054911-142601496)x1

Genes: ELF2 (E74 like ETS transcription factor 2; minus strand), ELMOD2 (ELMO domain containing 2; plus strand), RNF150 (ring finger protein 150; minus strand), SCOC (short coiled-coil protein; plus strand), IL15 (interleukin 15; plus strand) and 17 more. Cytogenetic location: 4q28.3-31.21.
Variant type: copy number loss.
Change: copy number 1 (one copy instead of two) of chr4:134,054,911-142,601,496 (8.55 Mb, GRCh37 coordinates, 1-based), cytogenetic band 4q28.3-31.21.
Identifiers: ClinVar variation 686985 (VCV000686985.3).

ClinVar aggregate classification (germline): no classifications from unflagged records (0 of 4 stars; one submission).

Submission:

Bionano Laboratories
Classification: Uncertain significance. Last evaluated: 2018-03-30. Review status: flagged submission. Collection method: clinical testing. Allele origin: unknown.
ClinVar note: Notes: This submission was flagged because its interpretation of this variant conflicts with the ClinGen Gene Dosage Map curation for the gene NAA15.
ClinVar note: Reason: Conflict with ClinGen Gene Dosage Map